The following is an entry in ClinVar:

Conditions:
Long QT syndrome 5 (LQT5). Identifiers: Orphanet 101016, Orphanet 768, MedGen C1867904, MONDO:0013372, OMIM 613695.

Submission:

Roden Lab, Vanderbilt University Medical Center
No classification provided (evidence only). Condition: Long QT syndrome 5. Review status: no classification provided. Collection method: in vitro. Allele origin: not applicable. Functional consequence: Effect on ion channel function.
ClinVar note: "not provided" was previously submitted as the classification for the variant. However, the classification appeared to be based only on an observation of functional data so it was converted to no classification on 2025-07-30.

NM_000219.6(KCNE1):c.182T>G (p.Ile61Ser)

Gene: KCNE1 (potassium voltage-gated channel subfamily E regulatory subunit 1; minus strand). Cytogenetic location: 21q22.12.
Variant type: single nucleotide variant.
Coding change: c.182T>G on transcript NM_000219.6 (MANE Select); coding-DNA position 182, T replaced by G.
Protein change: p.Ile61Ser; replaces isoleucine 61 with serine.
Molecular consequence: missense variant.
Genome position (GRCh38, 1-based): chr21:34,449,453, A>C on the plus strand (T>G on the coding strand, the complement: KCNE1 is on the minus strand). VCF-style: chr21-34449453-A-C. GRCh37 (hg19) VCF-style: chr21-35821751-A-C.
Other names: c.182T>G, p.Ile61Ser (NM_001127668.4, NM_001127669.4, NM_001127670.4 and 4 more transcripts); short protein forms I61S.
Identifiers: ClinVar variation 3374264 (VCV003374264.2).
Genomic context (GRCh38, chr21:34,449,453, plus strand): 5'-TAGACGTTGAATGGGTCGTTCGAGTGCTCCAGCTTCTTGGAGCGGATGTAGCTCAGCATG[A>C]TGCCCAGGGTGAAGAAGCCGAAGAATCCCAGTACCATGAGGACGTAGAGGGCCTCCAGCT-3'
Protein context (NP_000210.2, residues 51-71): LGFFGFFTLG[Ile61Ser]MLSYIRSKKL